The following is an entry in ClinVar:

NM_001332.4(CTNND2):c.598C>T (p.Gln200Ter)

Gene: CTNND2 (catenin delta 2; minus strand). Cytogenetic location: 5p15.2.
Variant type: single nucleotide variant.
Coding change: c.598C>T on transcript NM_001332.4 (MANE Select); coding-DNA position 598, C replaced by T.
Protein change: p.Gln200Ter; replaces glutamine 200 with a stop codon.
Molecular consequence: nonsense. On other transcripts: 5 prime UTR variant (1), intron variant (2).
Genome position (GRCh38, 1-based): chr5:11,397,045, G>A on the plus strand (C>T on the coding strand, the complement: CTNND2 is on the minus strand). VCF-style: chr5-11397045-G-A. GRCh37 (hg19) VCF-style: chr5-11397157-G-A.
Other names: c.325C>T, p.Gln109Ter (NM_001288715.1); c.-137C>T (NM_001288717.2); c.166+14491C>T (NM_001364128.2, NM_001288716.1); short protein forms Q109*, Q200*.
Identifiers: ClinVar variation 4995331 (VCV004995331.1).

ClinVar aggregate classification (germline): Uncertain significance (1 of 4 stars; one submission).

Conditions:
CTNND2-related disorder. Also called: CTNND2-related condition.

Submission:

PreventionGenetics, part of Exact Sciences
Classification: Uncertain significance for CTNND2-related condition. Last evaluated: 2025-10-24. Review status: criteria provided, single submitter. Criteria: ACMG Guidelines, 2015. Collection method: clinical testing. Allele origin: germline.
Comment: The CTNND2 c.598C>T variant is predicted to result in premature protein termination (p.Gln200*). To our knowledge, this variant has not been reported in the literature or in a large population database (gnomAD), indicating this variant is rare. Although we suspect that this variant may be pathogenic, at this time, the clinical significance of this variant is uncertain due to the absence of conclusive functional and genetic evidence.